The following is an entry in ClinVar:

ClinVar aggregate classification (germline): Benign. Review status: criteria provided, multiple submitters, no conflicts (2 of 4 stars). 2 submissions from 2 submitters: Benign (2). Last evaluated 2018-06-14.

Allele frequency attached by ClinVar (database versions not stated): 1000 Genomes Project 0.51444; gnomAD 0.52121 and 0.53096; 1000 Genomes Project 30x 0.52362; TOPMed 0.53293.
gnomAD v4.1: 58,220 of 111,623 alleles (52%); highest among the groups gnomAD compares: African/African-American, 79%; 12,068 homozygotes.

Submissions (2):

GeneDx
Classification: Benign. Last evaluated: 2018-06-14. Review status: criteria provided, single submitter. Criteria: GeneDx Variant Classification (06012015). Collection method: clinical testing. Allele origin: germline. Affected: yes.
Comment: This variant is considered likely benign or benign based on one or more of the following criteria: it is a conservative change, it occurs at a poorly conserved position in the protein, it is predicted to be benign by multiple in silico algorithms, and/or has population frequency not consistent with disease.

Breakthrough Genomics
Classification: Benign. Review status: criteria provided, single submitter. Criteria: ACMG Guidelines, 2015. Collection method: not provided. Allele origin: germline. Inheritance: X-linked inheritance. Affected: yes.

NM_004208.4(AIFM1):c.1573+256T>C

Genes: AIFM1 (apoptosis inducing factor mitochondria associated 1; minus strand), RAB33A (RAB33A, member RAS oncogene family; plus strand). Cytogenetic location: Xq26.1.
Variant type: single nucleotide variant.
Coding change: c.1573+256T>C on transcript NM_004208.4 (MANE Select); 256 bases into the intron after coding-DNA position 1573, T replaced by C.
Molecular consequence: intron variant.
Genome position (GRCh38, 1-based): chrX:130,131,419, A>G on the plus strand (T>C on the coding strand, the complement: AIFM1 is on the minus strand). VCF-style: chrX-130131419-A-G. GRCh37 (hg19) VCF-style: chrX-129265394-A-G.
Other names: c.1561+256T>C (NM_145812.3); c.*801+256T>C (NM_001130847.4); c.556+256T>C (NM_001130846.4).
Identifiers: ClinVar variation 683838 (VCV000683838.2), dbSNP rs210023, ClinGen allele CA335115366.
Genomic context (GRCh38, chrX:130,131,419, plus strand): 5'-AGGTTTTCTTGTTTTCTTCCTTAGAAAGGTCTTCCCAGAGACACACAAAACAGCAGTGTC[A>G]TTGAGCTAGCCACTGTCCACTGTCTAGGACAGATACCCACAATATTTGAATCTATGCTTT-3'